The following is an entry in ClinVar:

ClinVar aggregate classification (germline): Uncertain significance. Review status: criteria provided, multiple submitters, no conflicts (2 of 4 stars). 2 submissions from 2 submitters: Uncertain significance (2). Last evaluated 2024-09-06.

Conditions:
Inborn genetic diseases. Identifiers: MedGen C0950123, MeSH D030342.

Allele frequency attached by ClinVar (database versions not stated): 1000 Genomes Project 30x 0.00016; 1000 Genomes Project 0.00020.

Submissions (2):

Women's Health and Genetics/Laboratory Corporation of America, LabCorp
Classification: Uncertain significance. Last evaluated: 2024-09-06. Review status: criteria provided, single submitter. Criteria: LabCorp Variant Classification Summary - May 2015. Collection method: clinical testing. Allele origin: germline.
Comment: Variant summary: COG8 c.1523C>T (p.Pro508Leu) results in a non-conservative amino acid change in the encoded protein sequence. Five of five in-silico tools predict a damaging effect of the variant on protein function. The variant allele was found at a frequency of 2e-05 in 251482 control chromosomes. The available data on variant occurrences in the general population are insufficient to allow any conclusion about variant significance. To our knowledge, no occurrence of c.1523C>T in individuals affected with Congenital Disorder Of Glycosylation Type 2H and no experimental evidence demonstrating its impact on protein function have been reported. ClinVar contains an entry for this variant (Variation ID: 2614123). Based on the evidence outlined above, the variant was classified as uncertain significance.

Ambry Genetics
Classification: Uncertain significance for Inborn genetic diseases. Last evaluated: 2023-07-25. Review status: criteria provided, single submitter. Criteria: Ambry Variant Classification Scheme 2023. Collection method: clinical testing. Allele origin: germline.

NM_032382.5(COG8):c.1523C>T (p.Pro508Leu)

Gene: COG8 (component of oligomeric golgi complex 8; minus strand). Cytogenetic location: 16q22.1.
Variant type: single nucleotide variant.
Coding change: c.1523C>T on transcript NM_032382.5 (MANE Select); coding-DNA position 1523, C replaced by T.
Protein change: p.Pro508Leu; replaces proline 508 with leucine.
Molecular consequence: missense variant. On other transcripts: intron variant (1).
Genome position (GRCh38, 1-based): chr16:69,332,773, G>A on the plus strand (C>T on the coding strand, the complement: COG8 is on the minus strand). VCF-style: chr16-69332773-G-A. GRCh37 (hg19) VCF-style: chr16-69366676-G-A.
Other names: c.1523C>T, p.Pro508Leu (NM_001374871.1, NM_001379261.1, NM_001379262.1 and 3 more transcripts); c.1413+1748C>T (NM_001379266.1); short protein forms P508L.
Identifiers: ClinVar variation 2614123 (VCV002614123.3), dbSNP rs533170895, ClinGen allele CA8133690.
Genomic context (GRCh38, chr16:69,332,773, plus strand): 5'-CCTAAAGTCTGTGCTATCTGAGCTGGTGGAAAAAGGACTTGGAGACAGCGATTTAAATAC[G>A]GAACAAGGTCTTCCAGGAAGACAGTGCAGAACTGGACAAAGAGCTCTTGCTCCCCGCTGC-3'
Protein context (NP_115758.3, residues 498-518): FCTVFLEDLV[Pro508Leu]YLNRCLQVLF